The following is an entry in ClinVar:

ClinVar aggregate classification (germline): Likely benign. Review status: criteria provided, multiple submitters, no conflicts (2 of 4 stars). 3 submissions from 3 submitters: Likely benign (2). 1 of the submissions does not count toward it. Last evaluated 2025-06-01.

Conditions:
CHD7-related disorder. Also called: CHD7-related condition.
Inborn genetic diseases. Identifiers: MedGen C0950123, MeSH D030342.
CHARGE syndrome (CHARGE). Also called: Coloboma, heart anomaly, choanal atresia, retardation, genital and ear anomalies; CHARGE association; Hall-Hittner syndrome; Hittner Hirsch Kreh syndrome; CHARGE ASSOCIATION--COLOBOMA, HEART ANOMALY, CHOANAL ATRESIA, RETARDATION, GENITAL AND EAR ANOMALIES. Identifiers: Orphanet 138, MedGen C0265354, MONDO:0008965.

Allele frequency attached by ClinVar (database versions not stated): gnomAD 0.00002 and 0.00003; gnomAD exomes 0.00002 and 0.00005; TOPMed 0.00002; ExAC 0.00005; ESP Exome Variant Server 0.00008; 1000 Genomes Project 0.00020; 1000 Genomes Project 30x 0.00031.
gnomAD v4.1: 45 of 1,613,760 alleles (0.0028%); highest among the groups gnomAD compares: Middle Eastern, 0.033%; no homozygotes.

Submissions (3):

Labcorp Genetics (formerly Invitae), Labcorp
Classification: Likely benign for CHARGE syndrome. Last evaluated: 2025-06-01. Review status: criteria provided, single submitter. Criteria: Invitae Variant Classification Sherloc (09022015). Collection method: clinical testing. Allele origin: germline.

Ambry Genetics
Classification: Likely benign for Inborn genetic diseases. Last evaluated: 2017-11-15. Review status: criteria provided, single submitter. Criteria: Ambry Variant Classification Scheme 2023. Collection method: clinical testing. Allele origin: germline.

PreventionGenetics, part of Exact Sciences
Classification: Likely benign for CHD7-related condition. Last evaluated: 2023-03-30. Review status: no assertion criteria provided. Collection method: clinical testing. Allele origin: germline. Not counted in ClinVar's aggregate classification.
Comment: This variant is classified as likely benign based on ACMG/AMP sequence variant interpretation guidelines (Richards et al. 2015 PMID: 25741868, with internal and published modifications).

NM_017780.4(CHD7):c.561G>A (p.Gln187=)

Gene: CHD7 (chromodomain helicase DNA binding protein 7; plus strand). Cytogenetic location: 8q12.2.
Variant type: single nucleotide variant.
Coding change: c.561G>A on transcript NM_017780.4 (MANE Select); coding-DNA position 561, G replaced by A.
Protein change: p.Gln187=; no amino-acid change (glutamine 187 retained).
Molecular consequence: synonymous variant.
Genome position (GRCh38, 1-based): chr8:60,741,993, G>A. VCF-style: chr8-60741993-G-A. GRCh37 (hg19) VCF-style: chr8-61654552-G-A.
Other names: c.561G>A, p.Gln187= (NM_001316690.1).
Identifiers: ClinVar variation 1595334 (VCV001595334.12), dbSNP rs181083503, ClinGen allele CA4759344.